The following is an entry in ClinVar:

ClinVar aggregate classification (germline): Uncertain significance (1 of 4 stars; one submission).

gnomAD v4.1: 13 of 1,596,388 alleles (0.00081%); highest among the groups gnomAD compares: Admixed American, 0.02%; 1 homozygote.

Submission:

Labcorp Genetics (formerly Invitae), Labcorp
Classification: Uncertain significance. Last evaluated: 2026-01-02. Review status: criteria provided, single submitter. Criteria: Invitae Variant Classification Sherloc (09022015). Collection method: clinical testing. Allele origin: germline.
Comment: This sequence change replaces lysine, which is basic and polar, with glutamic acid, which is acidic and polar, at codon 545 of the ERBIN protein (p.Lys545Glu). This variant is present in population databases (rs200672724, gnomAD 0.006%). This variant has not been reported in the literature in individuals affected with ERBIN-related conditions. An algorithm developed to predict the effect of missense changes on protein structure and function outputs the following: PolyPhen-2: "Benign". The glutamic acid amino acid residue is found in multiple mammalian species, which suggests that this missense change does not adversely affect protein function. In summary, the available evidence is currently insufficient to determine the role of this variant in disease. Therefore, it has been classified as a Variant of Uncertain Significance.

NM_001253697.2(ERBIN):c.1633A>G (p.Lys545Glu)

Gene: ERBIN (erbb2 interacting protein; plus strand). Cytogenetic location: 5q12.3.
Variant type: single nucleotide variant.
Coding change: c.1633A>G on transcript NM_001253697.2 (MANE Select); coding-DNA position 1633, A replaced by G.
Protein change: p.Lys545Glu; replaces lysine 545 with glutamic acid.
Molecular consequence: missense variant.
Genome position (GRCh38, 1-based): chr5:66,046,383, A>G. VCF-style: chr5-66046383-A-G. GRCh37 (hg19) VCF-style: chr5-65342211-A-G.
Other names: c.1633A>G, p.Lys545Glu (NM_001006600.3, NM_001253698.2, NM_001253699.2 and 1 more transcripts); c.1621A>G, p.Lys541Glu (NM_001253701.2); short protein forms K541E, K545E.
Identifiers: ClinVar variation 4753222 (VCV004753222.1).